The following is an entry in ClinVar:

NM_000343.4(SLC5A1):c.477G>A (p.Ser159=)

Gene: SLC5A1 (solute carrier family 5 member 1; plus strand). Cytogenetic location: 22q12.3.
Variant type: single nucleotide variant.
Coding change: c.477G>A on transcript NM_000343.4 (MANE Select); coding-DNA position 477, G replaced by A.
Protein change: p.Ser159=; no amino-acid change (serine 159 retained).
Molecular consequence: synonymous variant.
Genome position (GRCh38, 1-based): chr22:32,068,600, G>A. VCF-style: chr22-32068600-G-A. GRCh37 (hg19) VCF-style: chr22-32464587-G-A.
Other names: c.96G>A, p.Ser32= (NM_001256314.2).
Identifiers: ClinVar variation 1019296 (VCV001019296.6), dbSNP rs775435397, ClinGen allele CA10197963.

ClinVar aggregate classification (germline): Uncertain significance (1 of 4 stars; one submission).

Conditions:
Congenital glucose-galactose malabsorption (GGM). Also called: MONOSACCHARIDE MALABSORPTION; DIARRHEA 16. Identifiers: Orphanet 35710, MedGen C0268186, MONDO:0011731, OMIM 606824.

Allele frequency attached by ClinVar (database versions not stated): gnomAD 0.00001 and 0.00002; gnomAD exomes 0.00001; ExAC 0.00002; TOPMed 0.00002.
gnomAD v4.1: 23 of 1,603,948 alleles (0.0014%); highest among the groups gnomAD compares: South Asian, 0.0044%; no homozygotes.

Submission:

Labcorp Genetics (formerly Invitae), Labcorp
Classification: Uncertain significance for Congenital glucose-galactose malabsorption. Last evaluated: 2021-07-19. Review status: criteria provided, single submitter. Criteria: Invitae Variant Classification Sherloc (09022015). Collection method: clinical testing. Allele origin: germline.
Comment: In summary, the available evidence is currently insufficient to determine the role of this variant in disease. Therefore, it has been classified as a Variant of Uncertain Significance. Nucleotide substitutions within the consensus splice site are a relatively common cause of aberrant splicing (PMID: 17576681, 9536098). Algorithms developed to predict the effect of sequence changes on RNA splicing suggest that this variant may disrupt the consensus splice site, but this prediction has not been confirmed by published transcriptional studies. This variant has not been reported in the literature in individuals with SLC5A1-related conditions. This variant is present in population databases (rs775435397, ExAC 0.003%). This sequence change affects codon 159 of the SLC5A1 mRNA. It is a 'silent' change, meaning that it does not change the encoded amino acid sequence of the SLC5A1 protein. This variant also falls at the last nucleotide of exon 5 of the SLC5A1 coding sequence, which is part of the consensus splice site for this exon.

Literature cited by the submitters: PubMed 17576681; PubMed 9536098.